The following is an entry in ClinVar:

ClinVar aggregate classification (germline): Likely pathogenic (0 of 4 stars; one submission).

Conditions:
PRUNE1-related disorder. Also called: PRUNE1-related condition.

Allele frequency attached by ClinVar (database versions not stated): TOPMed below 0.00001.

Submission:

PreventionGenetics, part of Exact Sciences
Classification: Likely pathogenic for PRUNE1-related condition. Last evaluated: 2024-02-19. Review status: no assertion criteria provided. Collection method: clinical testing. Allele origin: germline.
Comment: The PRUNE1 c.382C>T variant is predicted to result in premature protein termination (p.Arg128*). To our knowledge, this variant has not been reported in the literature or in a large population database, indicating this variant is rare. Nonsense variants in PRUNE1 are expected to be pathogenic. This variant is interpreted as likely pathogenic.

NM_021222.3(PRUNE1):c.382C>T (p.Arg128Ter)

Gene: PRUNE1 (prune exopolyphosphatase 1; plus strand). Cytogenetic location: 1q21.3.
Variant type: single nucleotide variant.
Coding change: c.382C>T on transcript NM_021222.3 (MANE Select); coding-DNA position 382, C replaced by T.
Protein change: p.Arg128Ter; replaces arginine 128 with a stop codon.
Molecular consequence: nonsense. On other transcripts: 5 prime UTR variant (1), intron variant (1).
Genome position (GRCh38, 1-based): chr1:151,024,657, C>T. VCF-style: chr1-151024657-C-T. GRCh37 (hg19) VCF-style: chr1-150997133-C-T.
Other names: c.-165C>T (NM_001303229.2); c.382C>T, p.Arg128Ter (NM_001303242.2); c.77-2576C>T (NM_001303243.2); short protein forms R128*.
Identifiers: ClinVar variation 3029943 (VCV003029943.2), dbSNP rs587684563, ClinGen allele CA341904643.